The following is an entry in ClinVar:

NM_000179.3(MSH6):c.1222C>A (p.Pro408Thr)

Gene: MSH6 (mutS homolog 6; plus strand). Cytogenetic location: 2p16.3.
Variant type: single nucleotide variant.
Coding change: c.1222C>A on transcript NM_000179.3 (MANE Select); coding-DNA position 1222, C replaced by A.
Protein change: p.Pro408Thr; replaces proline 408 with threonine.
Molecular consequence: missense variant. On other transcripts: non-coding transcript variant (4), intron variant (1).
Genome position (GRCh38, 1-based): chr2:47,799,205, C>A. VCF-style: chr2-47799205-C-A. GRCh37 (hg19) VCF-style: chr2-48026344-C-A.
Other names: c.832C>A, p.Pro278Thr (NM_001281492.2); c.316C>A, p.Pro106Thr (NM_001281493.2, NM_001281494.2, NM_001406811.1 and 6 more transcripts); c.1318C>A, p.Pro440Thr (NM_001406795.1, NM_001406802.1); c.1222C>A, p.Pro408Thr (NM_001406796.1, NM_001406798.1, NM_001406800.1 and 4 more transcripts); c.925C>A, p.Pro309Thr (NM_001406797.1, NM_001406801.1, NM_001406805.1 and 10 more transcripts); c.697C>A, p.Pro233Thr (NM_001406799.1, NM_001406806.1, NM_001406807.1); c.1144C>A, p.Pro382Thr (NM_001406804.1); c.1228C>A, p.Pro410Thr (NM_001406813.1); and 2 more; short protein forms P106T, P233T, P278T, P309T, P352T, P382T, P408T, P410T.
Identifiers: ClinVar variation 3230492 (VCV003230492.2), dbSNP rs1553412644, ClinGen allele CA346743575.

ClinVar aggregate classification (germline): Uncertain significance. Review status: criteria provided, multiple submitters, no conflicts (2 of 4 stars). 2 submissions from 2 submitters: Uncertain significance (2). Last evaluated 2024-12-11.

Conditions:
Hereditary cancer-predisposing syndrome. Also called: Neoplastic Syndromes, Hereditary; Tumor predisposition; Hereditary neoplastic syndrome; Hereditary Cancer Syndrome. Identifiers: Orphanet 140162, MedGen C0027672, MeSH D009386, MONDO:0015356.

Submissions (2):

Color Diagnostics, LLC DBA Color Health
Classification: Uncertain significance for Hereditary cancer-predisposing syndrome. Last evaluated: 2024-12-11. Review status: criteria provided, single submitter. Criteria: ACMG Guidelines, 2015. Collection method: clinical testing. Allele origin: germline.
Comment: This missense variant replaces proline with threonine at codon 408 of the MSH6 protein. Computational prediction suggests that this variant may have deleterious impact on protein structure and function (internally defined REVEL score threshold >= 0.7, PMID: 27666373). To our knowledge, functional studies have not been reported for this variant. This variant has not been reported in individuals affected with MSH6-related disorders in the literature. This variant has not been identified in the general population by the Genome Aggregation Database (gnomAD). The available evidence is insufficient to determine the role of this variant in disease conclusively. Therefore, this variant is classified as a Variant of Uncertain Significance.

Ambry Genetics
Classification: Uncertain significance for Hereditary cancer-predisposing syndrome. Last evaluated: 2023-10-19. Review status: criteria provided, single submitter. Criteria: Ambry Variant Classification Scheme 2023. Collection method: clinical testing. Allele origin: germline.
Comment: The p.P408T variant (also known as c.1222C>A), located in coding exon 4 of the MSH6 gene, results from a C to A substitution at nucleotide position 1222. The proline at codon 408 is replaced by threonine, an amino acid with highly similar properties. This amino acid position is conserved. In addition, this alteration is predicted to be deleterious by in silico analysis. Since supporting evidence is limited at this time, the clinical significance of this alteration remains unclear.